The following is an entry in ClinVar:

NM_004370.6(COL12A1):c.5587C>T (p.Arg1863Cys)

Gene: COL12A1 (collagen type XII alpha 1 chain; minus strand). Cytogenetic location: 6q13.
Variant type: single nucleotide variant.
Coding change: c.5587C>T on transcript NM_004370.6 (MANE Select); coding-DNA position 5587, C replaced by T.
Protein change: p.Arg1863Cys; replaces arginine 1863 with cysteine.
Molecular consequence: missense variant.
Genome position (GRCh38, 1-based): chr6:75,133,935, G>A on the plus strand (C>T on the coding strand, the complement: COL12A1 is on the minus strand). VCF-style: chr6-75133935-G-A. GRCh37 (hg19) VCF-style: chr6-75843651-G-A.
Other names: p.Arg1863Cys; c.2095C>T, p.Arg699Cys (NM_080645.3); short protein forms R1863C, R699C.
Identifiers: ClinVar variation 542484 (VCV000542484.19), dbSNP rs201372309, ClinGen allele CA3893080.

ClinVar aggregate classification (germline): Conflicting classifications of pathogenicity. Review status: criteria provided, conflicting classifications (1 of 4 stars). 5 submissions from 5 submitters: Uncertain significance (4); Likely benign (1). Last evaluated 2026-09-01.

Conditions:
Ullrich congenital muscular dystrophy 2 (UCMD2). Identifiers: Orphanet 75840, MedGen C4225314, MONDO:0014654, OMIM 616470.
Bethlem myopathy 2 (BTHLM2). Identifiers: Orphanet 536516, Orphanet 610, MedGen C4225313, MONDO:0034022, OMIM 616471.

Allele frequency attached by ClinVar (database versions not stated): ExAC 0.00003; TOPMed 0.00003; gnomAD 0.00004 and 0.00005; gnomAD exomes 0.00004 and 0.00007; ESP Exome Variant Server 0.00008; 1000 Genomes Project 0.00020; 1000 Genomes Project 30x 0.00031.
gnomAD v4.1: 111 of 1,613,950 alleles (0.0069%); highest among the groups gnomAD compares: East Asian, 0.011%; no homozygotes.

Submissions (5):

CeGaT Center for Human Genetics Tuebingen
Classification: Uncertain significance. Last evaluated: 2026-09-01. Review status: criteria provided, single submitter. Criteria: CeGaT Center For Human Genetics Tuebingen Variant Classification Criteria Version 2. Collection method: clinical testing. Allele origin: germline. Affected: yes. Observed: 1 variant allele.
Comment: COL12A1: PM2

Women's Health and Genetics/Laboratory Corporation of America, LabCorp
Classification: Uncertain significance. Last evaluated: 2026-06-29. Review status: criteria provided, single submitter. Criteria: LabCorp Variant Classification Summary - May 2015. Collection method: clinical testing. Allele origin: germline.
Comment: Variant summary: COL12A1 c.5587C>T (p.Arg1863Cys) results in a non-conservative amino acid change located in the Fibronectin type III domain (IPR003961) of the encoded protein sequence. Algorithms developed to predict the effect of missense changes on protein structure and function are either unavailable or do not agree on the potential impact of this missense change. The variant allele was found at a frequency of 4.4e-05 in 249228 control chromosomes. This frequency is not significantly higher than estimated for disease-causing variants in COL12A1, allowing no conclusion about variant significance. c.5587C>T has been observed in individuals affected with COL12A1-related conditions without strong evidence for causality (Delbaere_2020, Merlini_2025). These report(s) do not provide unequivocal conclusions about association of the variant with disease. At least one publication reports experimental evidence evaluating an impact on protein function. These results showed no damaging effect of this variant. The following publications have been ascertained in the context of this evaluation (PMID: 31273343, 40508193). ClinVar contains an entry for this variant (Variation ID: 542484). Based on the evidence outlined above, the variant was classified as uncertain significance.

Labcorp Genetics (formerly Invitae), Labcorp
Classification: Likely benign for Bethlem myopathy 2; Ullrich congenital muscular dystrophy 2. Last evaluated: 2025-11-02. Review status: criteria provided, single submitter. Criteria: Invitae Variant Classification Sherloc (09022015). Collection method: clinical testing. Allele origin: germline.

Mayo Clinic Laboratories, Mayo Clinic
Classification: Uncertain significance. Last evaluated: 2025-03-21. Review status: criteria provided, single submitter. Criteria: ACMG Guidelines, 2015. Collection method: clinical testing. Allele origin: germline. Observed: 1 variant allele.
Comment: BS3_supporting

GeneDx
Classification: Uncertain significance. Last evaluated: 2020-05-18. Review status: criteria provided, single submitter. Criteria: GeneDx Variant Classification Process June 2021. Collection method: clinical testing. Allele origin: germline. Affected: yes.
Comment: In silico analysis supports that this missense variant has a deleterious effect on protein structure/function; Reported in ClinVar as a variant of uncertain significance (ClinVar Variant ID# 542484; Landrum et al., 2016); This variant is associated with the following publications: (PMID: 31273343)

Literature cited by the submitters: PubMed 31273343 (cited by Women's Health and Genetics/Laboratory Corporation of America, LabCorp and Mayo Clinic Laboratories, Mayo Clinic); PubMed 40508193 (cited by Women's Health and Genetics/Laboratory Corporation of America, LabCorp); PubMed 34426522 (cited by Mayo Clinic Laboratories, Mayo Clinic).